The following is an entry in ClinVar:

ClinVar aggregate classification (germline): Uncertain significance (1 of 4 stars; one submission).

Conditions:
Cardiovascular phenotype. Identifiers: MedGen CN230736.

gnomAD v4.1: 2 of 1,613,980 alleles (0.00012%); highest among the groups gnomAD compares: Non-Finnish European, 0.00017%; no homozygotes.

Submission:

Ambry Genetics
Classification: Uncertain significance for Cardiovascular phenotype. Last evaluated: 2025-06-23. Review status: criteria provided, single submitter. Criteria: Ambry Variant Classification Scheme 2023. Collection method: clinical testing. Allele origin: germline.
Comment: The p.N2494S variant (also known as c.7481A>G), located in coding exon 26 of the APOB gene, results from an A to G substitution at nucleotide position 7481. The asparagine at codon 2494 is replaced by serine, an amino acid with highly similar properties. This amino acid position is conserved. In addition, this alteration is predicted to be tolerated by in silico analysis. Based on the available evidence, the clinical significance of this variant remains unclear.

NM_000384.3(APOB):c.7481A>G (p.Asn2494Ser)

Gene: APOB (apolipoprotein B; minus strand). Cytogenetic location: 2p24.1.
Variant type: single nucleotide variant.
Coding change: c.7481A>G on transcript NM_000384.3 (MANE Select); coding-DNA position 7481, A replaced by G.
Protein change: p.Asn2494Ser; replaces asparagine 2494 with serine.
Molecular consequence: missense variant.
Genome position (GRCh38, 1-based): chr2:21,009,387, T>C on the plus strand (A>G on the coding strand, the complement: APOB is on the minus strand). VCF-style: chr2-21009387-T-C. GRCh37 (hg19) VCF-style: chr2-21232259-T-C.
Other names: short protein forms N2494S.
Identifiers: ClinVar variation 4124917 (VCV004124917.1).